The following is an entry in ClinVar:

NM_003482.4(KMT2D):c.13521C>T (p.Ser4507=)

Gene: KMT2D (lysine methyltransferase 2D; minus strand). Cytogenetic location: 12q13.12.
Variant type: single nucleotide variant.
Coding change: c.13521C>T on transcript NM_003482.4 (MANE Select); coding-DNA position 13521, C replaced by T.
Protein change: p.Ser4507=; no amino-acid change (serine 4507 retained).
Molecular consequence: synonymous variant.
Genome position (GRCh38, 1-based): chr12:49,031,184, G>A on the plus strand (C>T on the coding strand, the complement: KMT2D is on the minus strand). VCF-style: chr12-49031184-G-A. GRCh37 (hg19) VCF-style: chr12-49424967-G-A.
Identifiers: ClinVar variation 3057078 (VCV003057078.2), dbSNP rs2120416897, ClinGen allele CA479707542.

ClinVar aggregate classification (germline): Likely benign (0 of 4 stars; one submission).

Conditions:
KMT2D-related disorder. Also called: KMT2D-Related Disorders.

Allele frequency attached by ClinVar (database versions not stated): gnomAD exomes below 0.00001.
gnomAD v4.1: 1 of 1,607,734 alleles (0.000062%); highest among the groups gnomAD compares: South Asian, 0.0011%; no homozygotes.

Submission:

PreventionGenetics, part of Exact Sciences
Classification: Likely benign for KMT2D-related condition. Last evaluated: 2021-09-01. Review status: no assertion criteria provided. Collection method: clinical testing. Allele origin: germline.
Comment: This variant is classified as likely benign based on ACMG/AMP sequence variant interpretation guidelines (Richards et al. 2015 PMID: 25741868, with internal and published modifications).